The following is an entry in ClinVar:

ClinVar aggregate classification (germline): Likely benign (1 of 4 stars; one submission).

Submission:

CeGaT Center for Human Genetics Tuebingen
Classification: Likely benign. Last evaluated: 2024-01-01. Review status: criteria provided, single submitter. Criteria: CeGaT Center For Human Genetics Tuebingen Variant Classification Criteria Version 2. Collection method: clinical testing. Allele origin: germline. Affected: yes. Observed: 1 variant allele.
Comment: ASH1L: PM2:Supporting, BP4, BP7

NM_018489.3(ASH1L):c.7548T>C (p.Asn2516=)

Gene: ASH1L (ASH1 like histone lysine methyltransferase; minus strand). Cytogenetic location: 1q22.
Variant type: single nucleotide variant.
Coding change: c.7548T>C on transcript NM_018489.3 (MANE Select); coding-DNA position 7548, T replaced by C.
Protein change: p.Asn2516=; no amino-acid change (asparagine 2516 retained).
Molecular consequence: synonymous variant.
Genome position (GRCh38, 1-based): chr1:155,349,333, A>G on the plus strand (T>C on the coding strand, the complement: ASH1L is on the minus strand). VCF-style: chr1-155349333-A-G. GRCh37 (hg19) VCF-style: chr1-155319124-A-G.
Other names: c.7563T>C, p.Asn2521= (NM_001366177.2).
Identifiers: ClinVar variation 3026948 (VCV003026948.22), dbSNP rs2525713328, ClinGen allele CA421012102.
Genomic context (GRCh38, chr1:155,349,333, plus strand): 5'-CTAATTCTTTTCAGAACAAACTTGTGAAATCTGTTTGAAGTCAGTGAAAAATACCTCAGC[A>G]TTCCGAAAGACTTTGAGCATGTCAGCATCAAAAGCTTCCACTGTCTTATAGTAACCAGTG-3'
Protein context (NP_060959.2, residues 2506-2526): FDADMLKVFR[Asn2516=]AEKYYGRKSP